The following is an entry in ClinVar:

ClinVar aggregate classification (germline): Uncertain significance (1 of 4 stars; one submission).

Allele frequency attached by ClinVar (database versions not stated): gnomAD exomes below 0.00001; TOPMed below 0.00001.
gnomAD v4.1: 2 of 1,607,766 alleles (0.00012%); highest among the groups gnomAD compares: Non-Finnish European, 0.00017%; no homozygotes.

Submission:

Labcorp Genetics (formerly Invitae), Labcorp
Classification: Uncertain significance. Last evaluated: 2021-06-01. Review status: criteria provided, single submitter. Criteria: Invitae Variant Classification Sherloc (09022015). Collection method: clinical testing. Allele origin: germline.
Comment: This variant is not present in population databases (ExAC no frequency). This sequence change replaces threonine with alanine at codon 549 of the PLAA protein (p.Thr549Ala). The threonine residue is moderately conserved and there is a small physicochemical difference between threonine and alanine. This variant has not been reported in the literature in individuals with PLAA-related conditions. In summary, the available evidence is currently insufficient to determine the role of this variant in disease. Therefore, it has been classified as a Variant of Uncertain Significance. Algorithms developed to predict the effect of missense changes on protein structure and function (SIFT, PolyPhen-2, Align-GVGD) all suggest that this variant is likely to be tolerated, but these predictions have not been confirmed by published functional studies and their clinical significance is uncertain.

NM_001031689.3(PLAA):c.1645A>G (p.Thr549Ala)

Gene: PLAA (phospholipase A2 activating protein; minus strand). Cytogenetic location: 9p21.2.
Variant type: single nucleotide variant.
Coding change: c.1645A>G on transcript NM_001031689.3 (MANE Select); coding-DNA position 1645, A replaced by G.
Protein change: p.Thr549Ala; replaces threonine 549 with alanine.
Molecular consequence: missense variant.
Genome position (GRCh38, 1-based): chr9:26,910,350, T>C on the plus strand (A>G on the coding strand, the complement: PLAA is on the minus strand). VCF-style: chr9-26910350-T-C. GRCh37 (hg19) VCF-style: chr9-26910348-T-C.
Other names: c.1576A>G, p.Thr526Ala (NM_001321546.2); short protein forms T549A, T526A.
Identifiers: ClinVar variation 1358198 (VCV001358198.6), dbSNP rs533908233, ClinGen allele CA191298127.